The following is an entry in ClinVar:

NM_139058.3(ARX):c.549GCC[5] (p.Pro187dup)

Gene: ARX (aristaless related homeobox; minus strand). Cytogenetic location: Xp21.3.
Variant type: Microsatellite.
Coding change: c.549GCC[5] on transcript NM_139058.3 (MANE Select); five copies in a row of the 3-base unit GCC starting at c.549; the reference has four copies in a row; one copy, 3 bases duplicated; also written c.558_560dup.
Protein change: p.Pro187dup; duplicates proline 187.
Molecular consequence: inframe insertion.
Genome position (GRCh38, 1-based): chrX:25,013,435-25,013,437, GGC duplicated on the plus strand (GCC on the coding strand, the reverse complement: ARX is on the minus strand); duplicating any 3 consecutive bases within chrX:25,013,435-25,013,446 gives the same sequence; the position shown is the placement nearest the transcript's 3' end. VCF-style (leftmost placement, unchanged base first): chrX-25013434-G-GGGC. GRCh37 (hg19) VCF-style: chrX-25031551-G-GGGC.
Other names: c.558_560dup (NM_139058.3).
Identifiers: ClinVar variation 951453 (VCV000951453.4), dbSNP rs1308129416, ClinGen allele CA641364633.

ClinVar aggregate classification (germline): Uncertain significance. Review status: criteria provided, multiple submitters, no conflicts (2 of 4 stars). 2 submissions from 2 submitters: Uncertain significance (2). Last evaluated 2024-04-29.

Conditions:
Intellectual disability, X-linked, with or without seizures, ARX-related. Also called: MENTAL RETARDATION, X-LINKED 29; MENTAL RETARDATION, X-LINKED 32; MENTAL RETARDATION, X-LINKED 33; MENTAL RETARDATION, X-LINKED 38; MENTAL RETARDATION, X-LINKED 43; MENTAL RETARDATION, X-LINKED 76. Identifiers: Orphanet 777, MedGen C0796244, MONDO:0010317, OMIM 300419.
Developmental and epileptic encephalopathy, 1 (DEE1). Also called: X-linked infantile spasms; West's syndrome; Tonic spasms with clustering, arrest of psychomotor development and hypsarrhythmia on EEG; X-Linked Infantile Spasm Syndrome; OHTAHARA SYNDROME, X-LINKED; INFANTILE SPASM SYNDROME, X-LINKED 1. Identifiers: MedGen C3463992, MONDO:0010632, OMIM 308350. Disease mechanism: loss of function.
Intellectual disability. Also called: Intellectual functioning disability; Intellectual developmental disorder; intellectual disabilities. Identifiers: MedGen C3714756, MeSH D008607, MONDO:0001071, HP:0001249.

Submissions (2):

Labcorp Genetics (formerly Invitae), Labcorp
Classification: Uncertain significance for Developmental and epileptic encephalopathy, 1; Intellectual disability, X-linked, with or without seizures, ARX-related. Last evaluated: 2024-04-29. Review status: criteria provided, single submitter. Criteria: Invitae Variant Classification Sherloc (09022015). Collection method: clinical testing. Allele origin: germline.
Comment: This variant, c.558_560dup, results in the insertion of 1 amino acid(s) of the ARX protein (p.Pro187dup), but otherwise preserves the integrity of the reading frame. This variant is present in population databases (no rsID available, gnomAD 0.2%). This variant has been observed in individual(s) with clinical features of ARX-related conditions (PMID: 36816814). ClinVar contains an entry for this variant (Variation ID: 951453). Experimental studies and prediction algorithms are not available or were not evaluated, and the functional significance of this variant is currently unknown. In summary, the available evidence is currently insufficient to determine the role of this variant in disease. Therefore, it has been classified as a Variant of Uncertain Significance.

Center for Statistical Genetics, Columbia University
Classification: Uncertain significance for Intellectual disability. Last evaluated: 2020-10-16. Review status: criteria provided, single submitter. Criteria: ACMG Guidelines, 2015. Collection method: research. Allele origin: inherited. Affected: yes.

Literature cited by the submitters: PubMed 36816814 (cited by Labcorp Genetics (formerly Invitae), Labcorp).